The following is an entry in ClinVar:

ClinVar aggregate classification (germline): Likely benign (1 of 4 stars; one submission).

gnomAD v4.1: 1,550 of 1,614,064 alleles (0.096%); highest among the groups gnomAD compares: Non-Finnish European, 0.11%; 1 homozygote.

Submission:

CeGaT Center for Human Genetics Tuebingen
Classification: Likely benign. Last evaluated: 2026-04-01. Review status: criteria provided, single submitter. Criteria: CeGaT Center For Human Genetics Tuebingen Variant Classification Criteria Version 2. Collection method: clinical testing. Allele origin: germline. Affected: yes. Observed: 1 variant allele.
Comment: GTF3C5: BP4, BS1

NM_012087.4(GTF3C5):c.484C>A (p.Gln162Lys)

Gene: GTF3C5 (general transcription factor IIIC subunit 5; plus strand). Cytogenetic location: 9q34.13.
Variant type: single nucleotide variant.
Coding change: c.484C>A on transcript NM_012087.4 (MANE Select); coding-DNA position 484, C replaced by A.
Protein change: p.Gln162Lys; replaces glutamine 162 with lysine.
Molecular consequence: missense variant. On other transcripts: intron variant (1).
Genome position (GRCh38, 1-based): chr9:133,043,838, C>A. VCF-style: chr9-133043838-C-A. GRCh37 (hg19) VCF-style: chr9-135919225-C-A.
Other names: c.484C>A, p.Gln162Lys (NM_001122823.2); c.51-6945C>A (NM_001286709.2); short protein forms Q162K.
Identifiers: ClinVar variation 4872140 (VCV004872140.2).